The following is an entry in ClinVar:

ClinVar aggregate classification (germline): Uncertain significance (1 of 4 stars; one submission).

Conditions:
Charcot-Marie-Tooth disease type 4. Also called: Charcot-Marie-Tooth, Type 4; Charcot-Marie-Tooth disease, type IV. Identifiers: Orphanet 64749, MedGen C4082197, MONDO:0018995.

Allele frequency attached by ClinVar (database versions not stated): gnomAD exomes below 0.00001 and 0.00001; ExAC 0.00001; gnomAD 0.00001; TOPMed 0.00001.

Submission:

Labcorp Genetics (formerly Invitae), Labcorp
Classification: Uncertain significance for Charcot-Marie-Tooth disease type 4. Last evaluated: 2021-04-05. Review status: criteria provided, single submitter. Criteria: Invitae Variant Classification Sherloc (09022015). Collection method: clinical testing. Allele origin: germline.
Comment: In summary, the available evidence is currently insufficient to determine the role of this variant in disease. Therefore, it has been classified as a Variant of Uncertain Significance. Algorithms developed to predict the effect of missense changes on protein structure and function output the following: SIFT: "Tolerated"; PolyPhen-2: "Benign"; Align-GVGD: "Class C0". The alanine amino acid residue is found in multiple mammalian species, suggesting that this missense change does not adversely affect protein function. These predictions have not been confirmed by published functional studies and their clinical significance is uncertain. This variant has not been reported in the literature in individuals with PRX-related conditions. This variant is present in population databases (rs776312092, ExAC 0.002%). This sequence change replaces valine with alanine at codon 429 of the PRX protein (p.Val429Ala). The valine residue is moderately conserved and there is a small physicochemical difference between valine and alanine.

NM_181882.3(PRX):c.1286T>C (p.Val429Ala)

Gene: PRX (periaxin; minus strand). Cytogenetic location: 19q13.2.
Variant type: single nucleotide variant.
Coding change: c.1286T>C on transcript NM_181882.3 (MANE Select); coding-DNA position 1286, T replaced by C.
Protein change: p.Val429Ala; replaces valine 429 with alanine.
Molecular consequence: missense variant. On other transcripts: 3 prime UTR variant (1).
Genome position (GRCh38, 1-based): chr19:40,397,066, A>G on the plus strand (T>C on the coding strand, the complement: PRX is on the minus strand). VCF-style: chr19-40397066-A-G. GRCh37 (hg19) VCF-style: chr19-40902973-A-G.
Other names: c.*1491T>C (NM_020956.2); short protein forms V429A.
Identifiers: ClinVar variation 1509920 (VCV001509920.8), dbSNP rs776312092, ClinGen allele CA9444291.